The following is an entry in ClinVar:

ClinVar aggregate classification (germline): Uncertain significance. Review status: criteria provided, multiple submitters, no conflicts (2 of 4 stars). 2 submissions from 2 submitters: Uncertain significance (2). Last evaluated 2025-10-18.

Conditions:
Cardiovascular phenotype. Identifiers: MedGen CN230736.
Long QT syndrome (LQTS). Identifiers: MedGen C0023976, MeSH D008133, MONDO:0002442. Disease mechanism: loss of function. Inheritance: Various modes of inheritance.

Submissions (2):

Labcorp Genetics (formerly Invitae), Labcorp
Classification: Uncertain significance for Long QT syndrome. Last evaluated: 2025-10-18. Review status: criteria provided, single submitter. Criteria: Invitae Variant Classification Sherloc (09022015). Collection method: clinical testing. Allele origin: germline.
Comment: This sequence change replaces valine, which is neutral and non-polar, with leucine, which is neutral and non-polar, at codon 796 of the CACNA1C protein (p.Val796Leu). This variant is not present in population databases (gnomAD no frequency). This variant has not been reported in the literature in individuals affected with CACNA1C-related conditions. ClinVar contains an entry for this variant (Variation ID: 1790498). Invitae Evidence Modeling of protein sequence and biophysical properties (such as structural, functional, and spatial information, amino acid conservation, physicochemical variation, residue mobility, and thermodynamic stability) indicates that this missense variant is not expected to disrupt CACNA1C protein function with a negative predictive value of 95%. In summary, the available evidence is currently insufficient to determine the role of this variant in disease. Therefore, it has been classified as a Variant of Uncertain Significance.

Ambry Genetics
Classification: Uncertain significance for Cardiovascular phenotype. Last evaluated: 2019-06-12. Review status: criteria provided, single submitter. Criteria: Ambry Variant Classification Scheme 2023. Collection method: clinical testing. Allele origin: germline.
Comment: The p.V796L variant (also known as c.2386G>C), located in coding exon 17 of the CACNA1C gene, results from a G to C substitution at nucleotide position 2386. The valine at codon 796 is replaced by leucine, an amino acid with highly similar properties. This amino acid position is not well conserved in available vertebrate species, and leucine is the reference amino acid in other vertebrate species. In addition, this alteration is predicted to be tolerated by in silico analysis. Since supporting evidence is limited at this time, the clinical significance of this alteration remains unclear.

NM_000719.7(CACNA1C):c.2386G>C (p.Val796Leu)

Gene: CACNA1C (calcium voltage-gated channel subunit alpha1 C; plus strand). Cytogenetic location: 12p13.33.
Variant type: single nucleotide variant.
Coding change: c.2386G>C on transcript NM_000719.7 (MANE Select); coding-DNA position 2386, G replaced by C.
Protein change: p.Val796Leu; replaces valine 796 with leucine.
Molecular consequence: missense variant.
Genome position (GRCh38, 1-based): chr12:2,585,422, G>C. VCF-style: chr12-2585422-G-C. GRCh37 (hg19) VCF-style: chr12-2694588-G-C.
Other names: c.2386G>C, p.Val796Leu (NM_001129827.2, NM_001129829.2, NM_001129830.3 and 18 more transcripts); c.2377G>C, p.Val793Leu (NM_001129844.2); short protein forms V793L, V796L.
Identifiers: ClinVar variation 1790498 (VCV001790498.7), dbSNP rs2515449349, ClinGen allele CA383371708.